The following is an entry in ClinVar:

NM_032193.4(RNASEH2C):c.473_474del (p.His158fs)

Gene: RNASEH2C (ribonuclease H2 subunit C; minus strand). Cytogenetic location: 11q13.1.
Variant type: Deletion.
Coding change: c.473_474del on transcript NM_032193.4 (MANE Select); coding-DNA positions 473 to 474, 2 bases deleted (AC; older notation c.473_474delAC).
Protein change: p.His158fs; shifts the reading frame from histidine 158.
Molecular consequence: frameshift variant.
Genome position (GRCh38, 1-based): chr11:65,719,804-65,719,805, GT deleted on the plus strand (AC on the coding strand, the reverse complement: RNASEH2C is on the minus strand); deleting any 2 consecutive bases within chr11:65,719,804-65,719,806 gives the same sequence; the c. name uses the placement nearest the transcript's 3' end. VCF-style (leftmost placement, unchanged base first): chr11-65719803-CGT-C. GRCh37 (hg19) VCF-style: chr11-65487274-CGT-C.
Other names: c.473_474delAC (NM_032193.3); short protein forms H158fs.
Identifiers: ClinVar variation 2716827 (VCV002716827.4), dbSNP rs2495307244, ClinGen allele CA2697548677.
Genomic context (GRCh38, chr11:65,719,803, plus strand): 5'-CTGTGAAGGGATCGCAGCTTTGAATTTCAAGCTCTGGTTCTCAGTCCTCGGGCACCTGTG[CGT>C]GAATCTGCAACAGGAGTCGCCTCTACTGTTGGACTTGTAAGACAGGGCGGCAAGCTGGCC-3'

ClinVar aggregate classification (germline): Uncertain significance. Review status: criteria provided, multiple submitters, no conflicts (2 of 4 stars). 2 submissions from 2 submitters: Uncertain significance (2). Last evaluated 2024-02-15.

Conditions:
Aicardi-Goutieres syndrome 3. Identifiers: Orphanet 51, MedGen C1835916, MONDO:0012471, OMIM 610329.
Inborn genetic diseases. Identifiers: MedGen C0950123, MeSH D030342.

Submissions (2):

Ambry Genetics
Classification: Uncertain significance for Inborn genetic diseases. Last evaluated: 2024-02-15. Review status: criteria provided, single submitter. Criteria: Ambry Variant Classification Scheme 2023. Collection method: clinical testing. Allele origin: germline.
Comment: The c.473_474delAC (p.H158Rfs*12) alteration, located in exon 4 (coding exon 4) of the RNASEH2C gene, consists of a deletion of 2 nucleotides from position 473 to 474, causing a translational frameshift with a predicted alternate stop codon after 4 amino acids. This alteration occurs at the 3' terminus of the RNASEH2C gene, is not expected to trigger nonsense-mediated mRNA decay and results in the elongation of the protein by 6 amino acids. This frameshift impacts the last 4% of the native protein. The exact functional effect of the altered amino acids is unknown. This variant was not reported in population-based cohorts in the Genome Aggregation Database (gnomAD). Based on insufficient or conflicting evidence, the clinical significance of this alteration remains unclear.

Labcorp Genetics (formerly Invitae), Labcorp
Classification: Uncertain significance for Aicardi-Goutieres syndrome 3. Last evaluated: 2023-07-28. Review status: criteria provided, single submitter. Criteria: Invitae Variant Classification Sherloc (09022015). Collection method: clinical testing. Allele origin: germline.
Comment: In summary, the available evidence is currently insufficient to determine the role of this variant in disease. Therefore, it has been classified as a Variant of Uncertain Significance. This variant has not been reported in the literature in individuals affected with RNASEH2C-related conditions. This variant is not present in population databases (gnomAD no frequency). This sequence change results in a frameshift in the RNASEH2C gene (p.His158Argfs*12). While this is not anticipated to result in nonsense mediated decay, it is expected to disrupt the last 7 amino acid(s) of the RNASEH2C protein and extend the protein by 4 additional amino acid residues.